The following is an entry in ClinVar:

ClinVar aggregate classification (germline): Likely benign (1 of 4 stars; one submission).

Allele frequency attached by ClinVar (database versions not stated): ESP Exome Variant Server 0.00008; TOPMed 0.00011; gnomAD 0.00021; ExAC 0.00025.
gnomAD v4.1: 318 of 1,614,200 alleles (0.02%); highest among the groups gnomAD compares: Non-Finnish European, 0.024%; no homozygotes.

Submission:

CeGaT Center for Human Genetics Tuebingen
Classification: Likely benign. Last evaluated: 2026-08-01. Review status: criteria provided, single submitter. Criteria: CeGaT Center For Human Genetics Tuebingen Variant Classification Criteria Version 2. Collection method: clinical testing. Allele origin: germline. Affected: yes. Observed: 4 variant alleles.
Comment: SHANK2: BP4, BP7

NM_012309.5(SHANK2):c.5274G>A (p.Ala1758=)

Gene: SHANK2 (SH3 and multiple ankyrin repeat domains 2; minus strand). Cytogenetic location: 11q13.3.
Variant type: single nucleotide variant.
Coding change: c.5274G>A on transcript NM_012309.5 (MANE Select); coding-DNA position 5274, G replaced by A.
Protein change: p.Ala1758=; no amino-acid change (alanine 1758 retained).
Molecular consequence: synonymous variant. On other transcripts: non-coding transcript variant (1).
Genome position (GRCh38, 1-based): chr11:70,473,145, C>T on the plus strand (G>A on the coding strand, the complement: SHANK2 is on the minus strand). VCF-style: chr11-70473145-C-T. GRCh37 (hg19) VCF-style: chr11-70319250-C-T.
Other names: c.4137G>A, p.Ala1379= (NM_001379226.1); c.3510G>A, p.Ala1170= (NM_133266.5).
Identifiers: ClinVar variation 3025398 (VCV003025398.22), dbSNP rs200232277, ClinGen allele CA6160730.